The following is an entry in ClinVar:

NM_007126.5(VCP):c.1972A>G (p.Lys658Glu)

Gene: VCP (valosin containing protein; minus strand). Cytogenetic location: 9p13.3.
Variant type: single nucleotide variant.
Coding change: c.1972A>G on transcript NM_007126.5 (MANE Select); coding-DNA position 1972, A replaced by G.
Protein change: p.Lys658Glu; replaces lysine 658 with glutamic acid.
Molecular consequence: missense variant.
Genome position (GRCh38, 1-based): chr9:35,059,525, T>C on the plus strand (A>G on the coding strand, the complement: VCP is on the minus strand). VCF-style: chr9-35059525-T-C. GRCh37 (hg19) VCF-style: chr9-35059522-T-C.
Other names: c.1837A>G, p.Lys613Glu (NM_001354927.2, NM_001354928.2); short protein forms K613E, K658E.
Identifiers: ClinVar variation 1783644 (VCV001783644.6), dbSNP rs2490347779, ClinGen allele CA373274900.

ClinVar aggregate classification (germline): Uncertain significance. Review status: criteria provided, multiple submitters, no conflicts (2 of 4 stars). 2 submissions from 2 submitters: Uncertain significance (2). Last evaluated 2026-01-01.

Conditions:
Inborn genetic diseases. Identifiers: MedGen C0950123, MeSH D030342.

Submissions (2):

CeGaT Center for Human Genetics Tuebingen
Classification: Uncertain significance. Last evaluated: 2026-01-01. Review status: criteria provided, single submitter. Criteria: CeGaT Center For Human Genetics Tuebingen Variant Classification Criteria Version 2. Collection method: clinical testing. Allele origin: germline. Affected: yes. Observed: 1 variant allele.
Comment: VCP: PM2, PP2, PP3

Ambry Genetics
Classification: Uncertain significance for Inborn genetic diseases. Last evaluated: 2020-04-16. Review status: criteria provided, single submitter. Criteria: Ambry Variant Classification Scheme 2023. Collection method: clinical testing. Allele origin: germline.
Comment: The p.K658E variant (also known as c.1972A>G), located in coding exon 14 of the VCP gene, results from an A to G substitution at nucleotide position 1972. The lysine at codon 658 is replaced by glutamic acid, an amino acid with similar properties. This amino acid position is highly conserved in available vertebrate species. In addition, this alteration is predicted to be deleterious by in silico analysis. Since supporting evidence is limited at this time, the clinical significance of this alteration remains unclear.